The following is an entry in ClinVar:

NM_000092.5(COL4A4):c.2251G>T (p.Gly751Ter)

Gene: COL4A4 (collagen type IV alpha 4 chain; minus strand). Cytogenetic location: 2q36.3.
Variant type: single nucleotide variant.
Coding change: c.2251G>T on transcript NM_000092.5 (MANE Select); coding-DNA position 2251, G replaced by T.
Protein change: p.Gly751Ter; replaces glycine 751 with a stop codon.
Molecular consequence: nonsense.
Genome position (GRCh38, 1-based): chr2:227,059,537, C>A on the plus strand (G>T on the coding strand, the complement: COL4A4 is on the minus strand). VCF-style: chr2-227059537-C-A. GRCh37 (hg19) VCF-style: chr2-227924253-C-A.
Other names: short protein forms G751*.
Identifiers: ClinVar variation 1438858 (VCV001438858.8), dbSNP rs2150275391, ClinGen allele CA350842068.

ClinVar aggregate classification (germline): Pathogenic/Likely pathogenic. Review status: criteria provided, multiple submitters, no conflicts (2 of 4 stars). 3 submissions from 3 submitters: Pathogenic (2); Likely pathogenic (1). Last evaluated 2024-05-20.

Conditions:
Hematuria, benign familial, 1 (BFH1). Also called: THIN MEMBRANE NEPHROPATHY. Identifiers: MedGen CN376803, MONDO:0007709, OMIM 141200.
Autosomal recessive Alport syndrome (ATS2). Also called: COL4A4 Alport Syndrome and Thin Basement Membrane Nephropathy; ALPORT SYNDROME 2, AUTOSOMAL RECESSIVE; Alport syndrome type 2; COL4A3-Related Nephropathy. Identifiers: Orphanet 63, Orphanet 88919, MedGen C4746745, MONDO:0008762, OMIM 203780.
Alport syndrome. Also called: Hemorrhagic familial nephritis; Hemorrhagic hereditary nephritis; Congenital hereditary hematuria. Identifiers: Orphanet 63, MedGen C1567741, MONDO:0018965.

Submissions (3):

Fulgent Genetics
Classification: Likely pathogenic for Hematuria, benign familial, 1; Autosomal recessive Alport syndrome. Last evaluated: 2024-05-20. Review status: criteria provided, single submitter. Criteria: ACMG Guidelines, 2015. Collection method: clinical testing. Allele origin: germline.

Myriad Genetics, Inc.
Classification: Pathogenic for Alport syndrome. Last evaluated: 2023-11-11. Review status: criteria provided, single submitter. Criteria: Myriad Autosomal Dominant, Autosomal Recessive and X-Linked Classification Criteria (2023). Collection method: clinical testing. Allele origin: unknown.
Comment: NM_000092.4(COL4A4):c.2251G>T(G751*) is expected to be pathogenic in the context of Alport syndrome, COL4A4-related. This variant is predicted to lead to an abnormal or absent protein product due to the creation of a premature termination codon in COL4A4, a gene where loss-of-function variants are known to be pathogenic. Please note: this variant was assessed in the context of healthy population screening.

Labcorp Genetics (formerly Invitae), Labcorp
Classification: Pathogenic. Last evaluated: 2021-10-02. Review status: criteria provided, single submitter. Criteria: Invitae Variant Classification Sherloc (09022015). Collection method: clinical testing. Allele origin: germline.
Comment: This variant is not present in population databases (ExAC no frequency). For these reasons, this variant has been classified as Pathogenic. This variant has not been reported in the literature in individuals affected with COL4A4-related conditions. This sequence change creates a premature translational stop signal (p.Gly751*) in the COL4A4 gene. It is expected to result in an absent or disrupted protein product. Loss-of-function variants in COL4A4 are known to be pathogenic (PMID: 21196518, 24854265, 25307543).

Literature cited by the submitters: PubMed 21196518 (cited by Labcorp Genetics (formerly Invitae), Labcorp); PubMed 24854265 (cited by Labcorp Genetics (formerly Invitae), Labcorp); PubMed 25307543 (cited by Labcorp Genetics (formerly Invitae), Labcorp).